The following is an entry in ClinVar:

NM_004655.4(AXIN2):c.1994dup (p.Asn666fs)

Gene: AXIN2 (axin 2; minus strand). Cytogenetic location: 17q24.1.
Variant type: Duplication.
Coding change: c.1994dup on transcript NM_004655.4 (MANE Select); coding-DNA position 1994, one base duplicated (G; older notation c.1994dupG).
Protein change: p.Asn666fs; shifts the reading frame from asparagine 666.
Molecular consequence: frameshift variant.
Genome position (GRCh38, 1-based): chr17:65,536,467, C duplicated on the plus strand (G on the coding strand, the reverse complement: AXIN2 is on the minus strand); the first of 7 consecutive C bases (chr17:65,536,467-65,536,473); duplicating any one gives the same sequence. VCF-style (leftmost placement, unchanged base first): chr17-65536466-G-GC. GRCh37 (hg19) VCF-style: chr17-63532584-G-GC.
Other names: c.1799dupG (NM_001363813.1); c.1799dup, p.Asn601fs (NM_001363813.1); c.1994dupG (NM_004655.3); c.1994dup (LRG_296t1); short protein forms N601fs, N666fs.
Identifiers: ClinVar variation 545741 (VCV000545741.29), dbSNP rs267606674, ClinGen allele CA8718439.

ClinVar aggregate classification (germline): Pathogenic. Review status: criteria provided, multiple submitters, no conflicts (2 of 4 stars). 9 submissions from 9 submitters: Pathogenic (9). Last evaluated 2025-11-18.
ClinVar aggregate classification (somatic clinical impact): Tier II - Potential (1 of 4 stars; one submission).

Conditions:
Oligodontia-cancer predisposition syndrome. Also called: TOOTH AGENESIS-COLORECTAL CANCER SYNDROME. Identifiers: Orphanet 300576, MedGen C1837750, MONDO:0012075, OMIM 608615. Disease mechanism: loss of function.
Ectodermal dysplasia. Also called: Ectodermal dysplasia syndrome. Identifiers: Orphanet 79373, MedGen C0013575, MONDO:0019287, HP:0000968.
Colorectal cancer. Also called: Malignant Colorectal Neoplasm; Colorectal cancer, somatic. Identifiers: MedGen C0346629, MONDO:0005575, OMIM 114500.
Hereditary cancer-predisposing syndrome. Also called: Hereditary Cancer Syndrome; Neoplastic Syndromes, Hereditary; Hereditary neoplastic syndrome; Tumor predisposition. Identifiers: Orphanet 140162, MedGen C0027672, MeSH D009386, MONDO:0015356.
Medulloblastoma WNT activated. Identifiers: MedGen C4331965, MONDO:0850196.

Submissions (10):

Labcorp Genetics (formerly Invitae), Labcorp
Classification: Pathogenic for Oligodontia-cancer predisposition syndrome. Last evaluated: 2025-11-18. Review status: criteria provided, single submitter. Criteria: Invitae Variant Classification Sherloc (09022015). Collection method: clinical testing. Allele origin: germline.
Comment: This sequence change creates a premature translational stop signal (p.Asn666Glnfs*41) in the AXIN2 gene. It is expected to result in an absent or disrupted protein product. Loss-of-function variants in AXIN2 are known to be pathogenic (PMID: 15042511, 21416598). The frequency data for this variant in the population databases is considered unreliable, as metrics indicate poor data quality at this position in the gnomAD database. This premature translational stop signal has been observed in individual(s) with isolated oligodontia (PMID: 15042511, 21626677). ClinVar contains an entry for this variant (Variation ID: 545741). For these reasons, this variant has been classified as Pathogenic.

Genetics Laboratory, Great Ormond Street Hospital NHS Foundation Trust, North Thames Genomic Laboratory Hub
Classification: Pathogenic for Ectodermal dysplasia. Last evaluated: 2025-11-06. Review status: criteria provided, single submitter. Criteria: ACGS Best Practice Guidelines for Variant Classification in Rare Disease 2024 v1.2. Collection method: clinical testing. Allele origin: germline. Affected: yes.
Comment: PS4_moderate, PM2_moderate, PVS1_very-strong, PP1_strong

State Key Laboratory of Oral & Maxillofacial Reconstruction and Regeneration, Key Laboratory of Oral Biomedicine Ministry of Education, Hubei Key Laboratory of Stomatology, School & Hospital of Stomatology, Wuhan University
Classification: Pathogenic for Oligodontia-cancer predisposition syndrome. Last evaluated: 2024-10-31. Review status: criteria provided, single submitter. Criteria: ACMG Guidelines, 2015. Collection method: research. Allele origin: unknown. Affected: yes.
Comment: The variant changes the amino acid sequence beginning at Asn601, ultimately resulting in a premature stop codon after 41 codons (PVS1). In vitro functional experiments show that the variant leads to impaired gene function (PS3). The variant was not found in gnomeAD (PM2). The variant was identified in two affected family members (PP1). Multiple lines of computational evidence support a deleterious effect on the gene (PP3). Based on the 2015 ACMG guidelines, this variant was predicted to be pathogenic (PVS1, PS3, PM2, PP1, PP3).

Molecular Pathology, Peter Maccallum Cancer Centre
Classification: Pathogenic for Oligodontia-cancer predisposition syndrome. Last evaluated: 2024-05-07. Review status: criteria provided, single submitter. Criteria: ACMG Guidelines, 2015. Collection method: clinical testing. Allele origin: germline. Inheritance: Autosomal dominant inheritance.

Baylor Genetics
Classification: Pathogenic for Colorectal cancer. Last evaluated: 2023-12-03. Review status: criteria provided, single submitter. Criteria: ACMG Guidelines, 2015. Collection method: clinical testing. Allele origin: unknown.

GeneDx
Classification: Pathogenic. Last evaluated: 2023-08-11. Review status: criteria provided, single submitter. Criteria: GeneDx Variant Classification Process June 2021. Collection method: clinical testing. Allele origin: germline. Affected: yes.
Comment: Frameshift variant predicted to result in protein truncation or nonsense mediated decay in a gene for which loss of function is not an established mechanism of disease; Not observed at significant frequency in large population cohorts (gnomAD); This variant is associated with the following publications: (PMID: 21626677, 15841489, 36860143, 32754288, 36502525, 34637023, 15042511)

Myriad Genetics, Inc.
Classification: Pathogenic for Oligodontia-cancer predisposition syndrome. Last evaluated: 2023-05-17. Review status: criteria provided, single submitter. Criteria: Myriad Autosomal Dominant, Autosomal Recessive and X-Linked Classification Criteria (2023). Collection method: clinical testing. Allele origin: unknown.
Comment: This variant is considered pathogenic. This variant creates a frameshift predicted to result in premature protein truncation.

Ambry Genetics
Classification: Pathogenic for Hereditary cancer-predisposing syndrome. Last evaluated: 2023-05-09. Review status: criteria provided, single submitter. Criteria: Ambry Variant Classification Scheme 2023. Collection method: clinical testing. Allele origin: germline.
Comment: The c.1994dupG pathogenic mutation, located in coding exon 7 of the AXIN2 gene, results from a duplication of G at nucleotide position 1994, causing a translational frameshift with a predicted alternate stop codon (p.N666Qfs*41). This alteration has been identified in multiple individuals with oligodontia (Lammi L et al. Am. J. Hum. Genet., 2004 May;74:1043-50; Bergendal B et al. Am. J. Med. Genet. A, 2011 Jul;155A:1616-22). Of note, this alteration is also designated as 1994-1995insG in published literature. In addition to the clinical data presented in the literature, this alteration is expected to result in loss of function by premature protein truncation or nonsense-mediated mRNA decay. As such, this alteration is interpreted as a disease-causing mutation.

Institute for Genomic Medicine (IGM) Clinical Laboratory, Nationwide Children's Hospital
Classification: Tier II - Potential for Medulloblastoma WNT activated. Assertion type: diagnostic. Clinical significance: supports diagnosis. Last evaluated: 2022-10-05. Review status: criteria provided, single submitter. Criteria: AMP/ASCO/CAP Guidelines, 2017. Collection method: clinical testing. Allele origin: somatic. Affected: yes.
Comment: Variant has Tier II (potential) clinical significance as a diagnostic inclusion criterion in medulloblastoma WNT activated, based on the following evidence: 1) Documented in one or more cancer databases (e.g., St. Jude Pecan, COSMIC, CIViC, OncoKB). 2) Information in the literature supports potential biologic effect of variant (PMIDs: 21159886, 25236910). 3) Assists in diagnosis alone or along with other biomarkers based on small studies or few case reports (Evidence Level D; PMID: 17373666).

Juno Genomics, Hangzhou Juno Genomics, Inc
Classification: Pathogenic for Colorectal cancer; Oligodontia-cancer predisposition syndrome. Review status: criteria provided, single submitter. Criteria: ACMG Guidelines, 2015. Collection method: clinical testing. Allele origin: germline.
Comment: Absent from controls (or at extremely low frequency if recessive) in Genome Aggregation Database.;Null variant in a gene where loss of function (LOF) is a known mechanism of disease.;The prevalence of the variant in affected individuals is significantly increased compared to the prevalence in controls.;Patient's phenotype or family history is highly specific for a disease with a single genetic etiology.

Literature cited by the submitters: PubMed 15042511 (cited by Labcorp Genetics (formerly Invitae), Labcorp and Ambry Genetics); PubMed 21416598 (cited by Labcorp Genetics (formerly Invitae), Labcorp); PubMed 21626677 (cited by Labcorp Genetics (formerly Invitae), Labcorp and Ambry Genetics); PubMed 21159886 (cited by Institute for Genomic Medicine (IGM) Clinical Laboratory, Nationwide Children's Hospital); PubMed 25236910 (cited by Institute for Genomic Medicine (IGM) Clinical Laboratory, Nationwide Children's Hospital); PubMed 17373666 (cited by Institute for Genomic Medicine (IGM) Clinical Laboratory, Nationwide Children's Hospital).